The following is an entry in ClinVar:

ClinVar aggregate classification (germline): Benign (1 of 4 stars; one submission).

Conditions:
Desmosterolosis. Identifiers: Orphanet 35107, MedGen C1865596, MONDO:0011217, OMIM 602398.

Allele frequency attached by ClinVar (database versions not stated): gnomAD 0.00438 and 0.00451; TOPMed 0.00491; 1000 Genomes Project 0.00579; 1000 Genomes Project 30x 0.00687.

Submission:

Illumina Laboratory Services, Illumina
Classification: Benign for Desmosterolosis. Last evaluated: 2018-01-13. Review status: criteria provided, single submitter. Criteria: ICSL Variant Classification Criteria 13 December 2019. Collection method: clinical testing. Allele origin: germline.
Comment: This variant was observed in the ICSL laboratory as part of a predisposition screen in an ostensibly healthy population. It had not been previously curated by ICSL or reported in the Human Gene Mutation Database (HGMD: prior to June 1st, 2018), and was therefore a candidate for classification through an automated scoring system. Utilizing variant allele frequency, disease prevalence and penetrance estimates, and inheritance mode, an automated score was calculated to assess if this variant is too frequent to cause the disease. Based on the score and internal cut-off values, a variant classified as benign is not then subjected to further curation. The score for this variant resulted in a classification of benign for this disease.

NM_014762.4(DHCR24):c.*913C>T

Gene: DHCR24 (24-dehydrocholesterol reductase; minus strand). Cytogenetic location: 1p32.3.
Variant type: single nucleotide variant.
Coding change: c.*913C>T on transcript NM_014762.4 (MANE Select); 913 bases downstream of the stop codon, C replaced by T.
Molecular consequence: 3 prime UTR variant.
Genome position (GRCh38, 1-based): chr1:54,851,320, G>A on the plus strand (C>T on the coding strand, the complement: DHCR24 is on the minus strand). VCF-style: chr1-54851320-G-A. GRCh37 (hg19) VCF-style: chr1-55316993-G-A.
Identifiers: ClinVar variation 297633 (VCV000297633.5), dbSNP rs114343980, ClinGen allele CA10611245.